The following is an entry in ClinVar:

ClinVar aggregate classification (germline): Uncertain significance (1 of 4 stars; one submission).

Conditions:
Infantile-onset ascending hereditary spastic paralysis (IAHSP). Also called: Infantile-Onset Ascending Hereditary Spastic Paralysis (IAHSP); Autosomal Recessive Juvenile Amyotrophic Lateral Sclerosis. Identifiers: Orphanet 293168, MedGen C2931441, MONDO:0011797, OMIM 607225. Disease mechanism: loss of function.

Submission:

Labcorp Genetics (formerly Invitae), Labcorp
Classification: Uncertain significance for Infantile-onset ascending hereditary spastic paralysis. Last evaluated: 2024-11-11. Review status: criteria provided, single submitter. Criteria: Invitae Variant Classification Sherloc (09022015). Collection method: clinical testing. Allele origin: germline.
Comment: This sequence change replaces valine, which is neutral and non-polar, with isoleucine, which is neutral and non-polar, at codon 295 of the ALS2 protein (p.Val295Ile). This variant is not present in population databases (gnomAD no frequency). This variant has not been reported in the literature in individuals affected with ALS2-related conditions. ClinVar contains an entry for this variant (Variation ID: 1918041). An algorithm developed to predict the effect of missense changes on protein structure and function outputs the following: PolyPhen-2: "Benign". The isoleucine amino acid residue is found in multiple mammalian species, which suggests that this missense change does not adversely affect protein function. In summary, the available evidence is currently insufficient to determine the role of this variant in disease. Therefore, it has been classified as a Variant of Uncertain Significance.

NM_020919.4(ALS2):c.883G>A (p.Val295Ile)

Gene: ALS2 (alsin Rho guanine nucleotide exchange factor ALS2; minus strand). Cytogenetic location: 2q33.1.
Variant type: single nucleotide variant.
Coding change: c.883G>A on transcript NM_020919.4 (MANE Select); coding-DNA position 883, G replaced by A.
Protein change: p.Val295Ile; replaces valine 295 with isoleucine.
Molecular consequence: missense variant.
Genome position (GRCh38, 1-based): chr2:201,761,111, C>T on the plus strand (G>A on the coding strand, the complement: ALS2 is on the minus strand). VCF-style: chr2-201761111-C-T. GRCh37 (hg19) VCF-style: chr2-202625834-C-T.
Other names: c.883G>A, p.Val295Ile (NM_001135745.2, NM_001410975.1); short protein forms V295I.
Identifiers: ClinVar variation 1918041 (VCV001918041.4), dbSNP rs1195750175, ClinGen allele CA350327890.
Genomic context (GRCh38, chr2:201,761,111, plus strand): 5'-TGCTTGTGATCTGAGCACTTACTGCATTCAGTTCAGTAGCAACAGACTGATCATTTGCTA[C>T]AAGAGTGTTCTCAAATACTTCTTCCTGCCTGTCAAGGGTTTCAGTGGAGGGGCTGAGAGC-3'
Protein context (NP_065970.2, residues 285-305): RQEEVFENTL[Val295Ile]ANDQSVATEL